The following is an entry in ClinVar:

NM_001363118.2(SLC52A2):c.1204C>T (p.Arg402Trp)

Gene: SLC52A2 (solute carrier family 52 member 2; plus strand). Cytogenetic location: 8q24.3.
Variant type: single nucleotide variant.
Coding change: c.1204C>T on transcript NM_001363118.2 (MANE Select); coding-DNA position 1204, C replaced by T.
Protein change: p.Arg402Trp; replaces arginine 402 with tryptophan.
Molecular consequence: missense variant. On other transcripts: non-coding transcript variant (1).
Genome position (GRCh38, 1-based): chr8:144,360,881, C>T. VCF-style: chr8-144360881-C-T. GRCh37 (hg19) VCF-style: chr8-145584541-C-T.
Other names: c.1204C>T, p.Arg402Trp (NM_001253815.2, NM_001253816.2, NM_001363120.2 and 2 more transcripts); c.712C>T, p.Arg238Trp (NM_001363122.2); c.1204C>T (NM_001253816.1); short protein forms R402W, R238W.
Identifiers: ClinVar variation 580514 (VCV000580514.6), dbSNP rs371806077, ClinGen allele CA4938434.

ClinVar aggregate classification (germline): Uncertain significance. Review status: criteria provided, multiple submitters, no conflicts (2 of 4 stars). 3 submissions from 3 submitters: Uncertain significance (3). Last evaluated 2026-01-14.

Conditions:
Inborn genetic diseases. Identifiers: MedGen C0950123, MeSH D030342.
Brown-Vialetto-van Laere syndrome 2. Also called: Riboflavin transporter deficiency type 2; SPINOCEREBELLAR ATAXIA WITH BLINDNESS AND DEAFNESS 2. Identifiers: Orphanet 572543, Orphanet 97229, MedGen C3553538, MONDO:0013867, OMIM 614707.
SLC52A2-related disorder. Also called: SLC52A2-related condition.

Allele frequency attached by ClinVar (database versions not stated): TOPMed 0.00006; gnomAD exomes 0.00003; gnomAD 0.00005 and 0.00004; ESP Exome Variant Server 0.00008; ExAC 0.00003.
gnomAD v4.1: 94 of 1,612,832 alleles (0.0058%); highest among the groups gnomAD compares: Non-Finnish European, 0.0074%; no homozygotes.

Submissions (3):

PreventionGenetics, part of Exact Sciences
Classification: Uncertain significance for SLC52A2-related condition. Last evaluated: 2026-01-14. Review status: criteria provided, single submitter. Criteria: ACMG Guidelines, 2015. Collection method: clinical testing. Allele origin: germline.
Comment: The SLC52A2 c.1204C>T variant is predicted to result in the amino acid substitution p.Arg402Trp. To our knowledge, this variant has not been reported in the literature. This variant is reported in 0.012% of alleles in individuals of African descent in gnomAD. At this time, the clinical significance of this variant is uncertain due to the absence of conclusive functional and genetic evidence.

Labcorp Genetics (formerly Invitae), Labcorp
Classification: Uncertain significance for Brown-Vialetto-van Laere syndrome 2. Last evaluated: 2022-05-28. Review status: criteria provided, single submitter. Criteria: Invitae Variant Classification Sherloc (09022015). Collection method: clinical testing. Allele origin: germline.
Comment: This sequence change replaces arginine, which is basic and polar, with tryptophan, which is neutral and slightly polar, at codon 402 of the SLC52A2 protein (p.Arg402Trp). This variant is present in population databases (rs371806077, gnomAD 0.01%). This variant has not been reported in the literature in individuals affected with SLC52A2-related conditions. ClinVar contains an entry for this variant (Variation ID: 580514). Algorithms developed to predict the effect of missense changes on protein structure and function (SIFT, PolyPhen-2, Align-GVGD) all suggest that this variant is likely to be disruptive. In summary, the available evidence is currently insufficient to determine the role of this variant in disease. Therefore, it has been classified as a Variant of Uncertain Significance.

Ambry Genetics
Classification: Uncertain significance for Inborn genetic diseases. Last evaluated: 2022-03-25. Review status: criteria provided, single submitter. Criteria: Ambry Variant Classification Scheme 2023. Collection method: clinical testing. Allele origin: germline.